The following is an entry in ClinVar:

ClinVar aggregate classification (germline): Uncertain significance (1 of 4 stars; one submission).

Submission:

Laboratory for Molecular Medicine, Mass General Brigham Personalized Medicine
Classification: Uncertain significance. Last evaluated: 2012-02-13. Review status: criteria provided, single submitter. Criteria: LMM Criteria. Collection method: clinical testing. Allele origin: germline. Observed: 2 variant alleles.
Comment: Co mputational analyses (biochemical amino acid properties, conservation, PolyPhen2 , SIFT, AlignGVGD) do not provide strong support for or against pathogenicity. In the absence of additional information, the clinical significance of this vari ant cannot be determined.

NM_001018005.2(TPM1):c.692A>G (p.Lys231Arg)

Gene: TPM1 (tropomyosin 1; plus strand). Cytogenetic location: 15q22.2.
Variant type: single nucleotide variant.
Coding change: c.692A>G on transcript NM_001018005.2 (MANE Select); coding-DNA position 692, A replaced by G.
Protein change: p.Lys231Arg; replaces lysine 231 with arginine.
Molecular consequence: missense variant.
Genome position (GRCh38, 1-based): chr15:63,062,267, A>G. VCF-style: chr15-63062267-A-G. GRCh37 (hg19) VCF-style: chr15-63354466-A-G.
Other names: c.584A>G, p.Lys195Arg (NM_001365780.1, NM_001365781.2, NM_001365782.1 and 5 more transcripts); c.692A>G, p.Lys231Arg (NM_000366.6, NM_001018004.2, NM_001018006.2 and 6 more transcripts); c.818A>G, p.Lys273Arg (NM_001365778.1); short protein forms K231R, K195R, K273R.
Identifiers: ClinVar variation 43435 (VCV000043435.5), dbSNP rs397516385, ClinGen allele CA018287.